The following is an entry in ClinVar:

NM_001378120.1(MBD5):c.5037-198dup

Gene: MBD5 (methyl-CpG binding domain protein 5; plus strand). Cytogenetic location: 2q23.1.
Variant type: Duplication.
Coding change: c.5037-198dup on transcript NM_001378120.1 (MANE Select); 198 bases into the intron before coding-DNA position 5037, one base duplicated (T; older notation c.5037-198dupT).
Molecular consequence: intron variant.
Genome position (GRCh38, 1-based): chr2:148,509,862, T duplicated; the last of 7 consecutive T bases (chr2:148,509,856-148,509,862); duplicating any one gives the same sequence. VCF-style (leftmost placement, unchanged base first): chr2-148509855-C-CT. GRCh37 (hg19) VCF-style: chr2-149267424-C-CT.
Other names: c.4338-198dup (NM_018328.5); c.4338-205_4338-204insT (NM_018328.4).
Identifiers: ClinVar variation 679059 (VCV000679059.1), dbSNP rs151097491, ClinGen allele CA58229906.

ClinVar aggregate classification (germline): Benign (1 of 4 stars; one submission).

Submission:

GeneDx
Classification: Benign. Last evaluated: 2018-06-14. Review status: criteria provided, single submitter. Criteria: GeneDx Variant Classification (06012015). Collection method: clinical testing. Allele origin: germline. Affected: yes.
Comment: This variant is considered likely benign or benign based on one or more of the following criteria: it is a conservative change, it occurs at a poorly conserved position in the protein, it is predicted to be benign by multiple in silico algorithms, and/or has population frequency not consistent with disease.